The following is an entry in ClinVar:

NM_001710.6(CFB):c.2203C>A (p.Pro735Thr)

Gene: CFB (complement factor B; plus strand). Cytogenetic location: 6p21.33.
Variant type: single nucleotide variant.
Coding change: c.2203C>A on transcript NM_001710.6 (MANE Select); coding-DNA position 2203, C replaced by A.
Protein change: p.Pro735Thr; replaces proline 735 with threonine.
Molecular consequence: missense variant.
Genome position (GRCh38, 1-based): chr6:31,951,938, C>A. VCF-style: chr6-31951938-C-A. GRCh37 (hg19) VCF-style: chr6-31919715-C-A.
Other names: short protein forms P735T.
Identifiers: ClinVar variation 1466239 (VCV001466239.8), dbSNP rs941723798, ClinGen allele CA136898950.

ClinVar aggregate classification (germline): Uncertain significance (1 of 4 stars; one submission).

Allele frequency attached by ClinVar (database versions not stated): gnomAD 0.00001.
gnomAD v4.1: 1 of 1,612,986 alleles (0.000062%); highest among the groups gnomAD compares: Non-Finnish European, 0.000085%; no homozygotes.

Submission:

Labcorp Genetics (formerly Invitae), Labcorp
Classification: Uncertain significance. Last evaluated: 2021-07-21. Review status: criteria provided, single submitter. Criteria: Invitae Variant Classification Sherloc (09022015). Collection method: clinical testing. Allele origin: germline.
Comment: This sequence change replaces proline with threonine at codon 735 of the CFB protein (p.Pro735Thr). The proline residue is moderately conserved and there is a small physicochemical difference between proline and threonine. This variant is not present in population databases (ExAC no frequency). This variant has not been reported in the literature in individuals affected with CFB-related conditions. Algorithms developed to predict the effect of missense changes on protein structure and function (SIFT, PolyPhen-2, Align-GVGD) all suggest that this variant is likely to be tolerated. In summary, the available evidence is currently insufficient to determine the role of this variant in disease. Therefore, it has been classified as a Variant of Uncertain Significance.